The following is an entry in ClinVar:

ClinVar aggregate classification (germline): Likely pathogenic (1 of 4 stars; one submission).

Conditions:
Glycogen storage disease, type IV (GSD4). Also called: AMYLOPECTINOSIS; ANDERSEN DISEASE; BRANCHER DEFICIENCY; CIRRHOSIS, FAMILIAL, WITH DEPOSITION OF ABNORMAL GLYCOGEN; GBE1 DEFICIENCY; GLYCOGEN BRANCHING ENZYME DEFICIENCY. Identifiers: Orphanet 367, MedGen C0017923, MONDO:0009292, OMIM 232500.
Glycogen storage disease IV, classic hepatic. Also called: GSD IV, CLASSIC HEPATIC. Identifiers: MedGen C1856301.

Submission:

Labcorp Genetics (formerly Invitae), Labcorp
Classification: Likely pathogenic for Glycogen storage disease, type IV; Glycogen storage disease IV, classic hepatic. Last evaluated: 2024-01-13. Review status: criteria provided, single submitter. Criteria: Invitae Variant Classification Sherloc (09022015). Collection method: clinical testing. Allele origin: germline.
Comment: This sequence change affects an acceptor splice site in intron 8 of the GBE1 gene. It is expected to disrupt RNA splicing. Variants that disrupt the donor or acceptor splice site typically lead to a loss of protein function (PMID: 16199547), and loss-of-function variants in GBE1 are known to be pathogenic (PMID: 15452297, 20058079). This variant is not present in population databases (gnomAD no frequency). This variant has not been reported in the literature in individuals affected with GBE1-related conditions. Algorithms developed to predict the effect of sequence changes on RNA splicing suggest that this variant may disrupt the consensus splice site. In summary, the currently available evidence indicates that the variant is pathogenic, but additional data are needed to prove that conclusively. Therefore, this variant has been classified as Likely Pathogenic.

Literature cited by the submitters: PubMed 16199547; PubMed 15452297; PubMed 20058079.

NM_000158.4(GBE1):c.1109-2A>G

Gene: GBE1 (1,4-alpha-glucan branching enzyme 1; minus strand). Cytogenetic location: 3p12.2.
Variant type: single nucleotide variant.
Coding change: c.1109-2A>G on transcript NM_000158.4 (MANE Select); the canonical splice acceptor site of the intron before coding-DNA position 1109, A replaced by G.
Molecular consequence: splice acceptor variant.
Genome position (GRCh38, 1-based): chr3:81,591,166, T>C on the plus strand (A>G on the coding strand, the complement: GBE1 is on the minus strand). VCF-style: chr3-81591166-T-C. GRCh37 (hg19) VCF-style: chr3-81640317-T-C.
Identifiers: ClinVar variation 2922188 (VCV002922188.3), dbSNP rs2471740325, ClinGen allele CA353685701.